The following is an entry in ClinVar:

NM_001510.4(GRID2):c.1525G>T (p.Val509Leu)

Gene: GRID2 (glutamate ionotropic receptor delta type subunit 2; plus strand). Cytogenetic location: 4q22.2.
Variant type: single nucleotide variant.
Coding change: c.1525G>T on transcript NM_001510.4 (MANE Select); coding-DNA position 1525, G replaced by T.
Protein change: p.Val509Leu; replaces valine 509 with leucine.
Molecular consequence: missense variant.
Genome position (GRCh38, 1-based): chr4:93,422,948, G>T. VCF-style: chr4-93422948-G-T. GRCh37 (hg19) VCF-style: chr4-94344099-G-T.
Other names: c.1240G>T, p.Val414Leu (NM_001286838.1); c.1525G>T (NM_001510.3); short protein forms V509L, V414L.
Identifiers: ClinVar variation 4032296 (VCV004032296.2).

ClinVar aggregate classification (germline): Uncertain significance. Review status: criteria provided, multiple submitters, no conflicts (2 of 4 stars). 2 submissions from 2 submitters: Uncertain significance (2). Last evaluated 2025-05-17.

Conditions:
Inborn genetic diseases. Identifiers: MedGen C0950123, MeSH D030342.

gnomAD v4.1: 30 of 1,609,180 alleles (0.0019%); highest among the groups gnomAD compares: Non-Finnish European, 0.0014%; no homozygotes.

Submissions (2):

Ambry Genetics
Classification: Uncertain significance for Inborn genetic diseases. Last evaluated: 2025-05-17. Review status: criteria provided, single submitter. Criteria: Ambry Variant Classification Scheme 2023. Collection method: clinical testing. Allele origin: germline.

GeneDx
Classification: Uncertain significance. Last evaluated: 2025-02-04. Review status: criteria provided, single submitter. Criteria: GeneDx Variant Classification Process June 2021. Collection method: clinical testing. Allele origin: germline. Affected: yes.
Comment: In silico analysis indicates that this missense variant does not alter protein structure/function; Has not been previously published as pathogenic or benign to our knowledge